The following is an entry in ClinVar:

ClinVar aggregate classification (germline): Uncertain significance. Review status: criteria provided, multiple submitters, no conflicts (2 of 4 stars). 2 submissions from 2 submitters: Uncertain significance (2). Last evaluated 2024-03-07.

Conditions:
Joubert syndrome. Also called: CEREBELLOPARENCHYMAL DISORDER IV; JOUBERT-BOLTSHAUSER SYNDROME; Familial aplasia of the vermis. Identifiers: Orphanet 475, MedGen C5979921, MONDO:0018772.
Nephronophthisis. Also called: Juvenile Nephronophthisis. Identifiers: Orphanet 655, MedGen C0687120, MONDO:0019005, HP:0000090.
Meckel-Gruber syndrome. Also called: DYSENCEPHALIA SPLANCHNOCYSTICA; GRUBER SYNDROME; Dysencephalia splachnocystica. Identifiers: Orphanet 564, MedGen C0265215, MONDO:0018921.
Senior-Loken syndrome 6 (SLSN6). Identifiers: Orphanet 3156, MedGen C1857779, MONDO:0012433, OMIM 610189.
Joubert syndrome 5 (JBTS5). Identifiers: Orphanet 2318, MedGen C1857780, MONDO:0012432, OMIM 610188.
Bardet-Biedl syndrome 14 (BBS14). Identifiers: Orphanet 110, MedGen C2673874, MONDO:0014442, OMIM 615991.
Leber congenital amaurosis 10 (LCA10). Identifiers: Orphanet 65, MedGen C1857821, MONDO:0012723, OMIM 611755.
Meckel syndrome, type 4 (MKS4). Also called: MECKEL-GRUBER SYNDROME, TYPE 4. Identifiers: Orphanet 564, MedGen C1970161, MONDO:0012626, OMIM 611134.

Submissions (2):

Fulgent Genetics
Classification: Uncertain significance for Joubert syndrome 5; Senior-Loken syndrome 6; Meckel syndrome, type 4; Leber congenital amaurosis 10; Bardet-Biedl syndrome 14. Last evaluated: 2024-03-07. Review status: criteria provided, single submitter. Criteria: ACMG Guidelines, 2015. Collection method: clinical testing. Allele origin: germline.

Labcorp Genetics (formerly Invitae), Labcorp
Classification: Uncertain significance for Joubert syndrome; Meckel-Gruber syndrome; Nephronophthisis. Last evaluated: 2020-12-27. Review status: criteria provided, single submitter. Criteria: Invitae Variant Classification Sherloc (09022015). Collection method: clinical testing. Allele origin: germline.
Comment: In summary, the available evidence is currently insufficient to determine the role of this variant in disease. Therefore, it has been classified as a Variant of Uncertain Significance. Experimental studies and prediction algorithms are not available or were not evaluated, and the functional significance of this variant is currently unknown. This variant has not been reported in the literature in individuals with CEP290-related conditions. The frequency data for this variant in the population databases is considered unreliable, as metrics indicate poor data quality at this position in the ExAC database. This variant, c.6312_6314del, results in the deletion of 1 amino acid(s) of the CEP290 protein (p.Lys2105del), but otherwise preserves the integrity of the reading frame.

NM_025114.4(CEP290):c.6312_6314del (p.Lys2105del)

Genes: CEP290 (centrosomal protein 290; minus strand), LOC129390514 (MPRA-validated peak1864 silencer; plus strand). Cytogenetic location: 12q21.32.
Variant type: Deletion.
Coding change: c.6312_6314del on transcript NM_025114.4 (MANE Select); coding-DNA positions 6312 to 6314, 3 bases deleted (GAA; older notation c.6312_6314delGAA).
Protein change: p.Lys2105del; deletes lysine 2105.
Molecular consequence: inframe deletion.
Genome position (GRCh38, 1-based): chr12:88,062,735-88,062,737, TTC deleted on the plus strand (GAA on the coding strand, the reverse complement: CEP290 is on the minus strand); deleting any 3 consecutive bases within chr12:88,062,735-88,062,739 gives the same sequence; the c. name uses the placement nearest the transcript's 3' end. VCF-style (leftmost placement, unchanged base first): chr12-88062734-TTTC-T. GRCh37 (hg19) VCF-style: chr12-88456511-TTTC-T.
Other names: short protein forms K2105del.
Identifiers: ClinVar variation 1379124 (VCV001379124.9), dbSNP rs749826807, ClinGen allele CA6711528.
Genomic context (GRCh38, chr12:88,062,734, plus strand): 5'-TGGTAAATTCTCACATACCCCTCTAACATGGCCAAGTTTCCGCTGAACTTCTGCTTTTTC[TTTC>T]TTAAGAAATTCACACATTTCCTTCAAATCTCTGACTTGATTCTGAAAGATAACAAGCAAA-3'